The following is an entry in ClinVar:

NM_015046.7(SETX):c.7568C>T (p.Thr2523Ile)

Gene: SETX (senataxin; minus strand). Cytogenetic location: 9q34.13.
Variant type: single nucleotide variant.
Coding change: c.7568C>T on transcript NM_015046.7 (MANE Select); coding-DNA position 7568, C replaced by T.
Protein change: p.Thr2523Ile; replaces threonine 2523 with isoleucine.
Molecular consequence: missense variant.
Genome position (GRCh38, 1-based): chr9:132,264,705, G>A on the plus strand (C>T on the coding strand, the complement: SETX is on the minus strand). VCF-style: chr9-132264705-G-A. GRCh37 (hg19) VCF-style: chr9-135140092-G-A.
Other names: c.7568C>T, p.Thr2523Ile (NM_001351527.2); c.7655C>T, p.Thr2552Ile (NM_001351528.2); short protein forms T2552I, T2523I.
Identifiers: ClinVar variation 2151777 (VCV002151777.5), dbSNP rs772179602, ClinGen allele CA5296369.

ClinVar aggregate classification (germline): Conflicting classifications of pathogenicity. Review status: criteria provided, conflicting classifications (1 of 4 stars). 2 submissions from 2 submitters: Uncertain significance (1); Likely benign (1). Last evaluated 2023-10-09.

Conditions:
Amyotrophic lateral sclerosis type 4 (ALS4). Also called: AMYOTROPHIC LATERAL SCLEROSIS 4, JUVENILE; NEURONOPATHY, DISTAL HEREDITARY MOTOR, WITH PYRAMIDAL FEATURES. Identifiers: Orphanet 357043, MedGen C1865409, MONDO:0011223, OMIM 602433.
Spinocerebellar ataxia, autosomal recessive, with axonal neuropathy 2 (SCAN2). Also called: ATAXIA-OCULOMOTOR APRAXIA 2; Ataxia-ocular apraxia-2; Ataxia with Oculomotor Apraxia; Ataxia with Oculomotor Apraxia Type 2. Identifiers: Orphanet 64753, MedGen C1853761, MONDO:0018996, OMIM 606002.

Allele frequency attached by ClinVar (database versions not stated): TOPMed below 0.00001; ExAC 0.00001; gnomAD 0.00001; gnomAD exomes 0.00002.
gnomAD v4.1: 33 of 1,614,224 alleles (0.002%); highest among the groups gnomAD compares: Middle Eastern, 0.033%; no homozygotes.

Submissions (2):

Labcorp Genetics (formerly Invitae), Labcorp
Classification: Likely benign for Amyotrophic lateral sclerosis type 4; Spinocerebellar ataxia, autosomal recessive, with axonal neuropathy 2. Last evaluated: 2023-10-09. Review status: criteria provided, single submitter. Criteria: Invitae Variant Classification Sherloc (09022015). Collection method: clinical testing. Allele origin: germline.

Athena Diagnostics
Classification: Uncertain significance. Last evaluated: 2023-01-10. Review status: criteria provided, single submitter. Criteria: Athena Diagnostics Criteria. Collection method: clinical testing. Allele origin: unknown.
Comment: Available data are insufficient to determine the clinical significance of the variant at this time. The frequency of this variant in the general population is uninformative in assessment of its pathogenicity. Computational tools predict that this variant is not damaging.